The following is an entry in ClinVar:

NM_000435.3(NOTCH3):c.4862_4863delinsTG (p.Asp1621Val)

Gene: NOTCH3 (notch receptor 3; minus strand). Cytogenetic location: 19p13.12.
Variant type: Indel.
Coding change: c.4862_4863delinsTG on transcript NM_000435.3 (MANE Select); coding-DNA positions 4862 to 4863, AC replaced by TG.
Protein change: p.Asp1621Val; replaces aspartic acid 1621 with valine.
Molecular consequence: missense variant.
Genome position (GRCh38, 1-based): chr19:15,170,699-15,170,700, GT replaced by CA on the plus strand (AC replaced by TG on the coding strand, the reverse complement: NOTCH3 is on the minus strand). VCF-style: chr19-15170699-GT-CA. GRCh37 (hg19) VCF-style: chr19-15281510-GT-CA.
Other names: short protein forms D1621V.
Identifiers: ClinVar variation 3383563 (VCV003383563.1).

ClinVar aggregate classification (germline): Uncertain significance (1 of 4 stars; one submission).

Submission:

GeneDx
Classification: Uncertain significance. Last evaluated: 2024-05-17. Review status: criteria provided, single submitter. Criteria: GeneDx Variant Classification Process June 2021. Collection method: clinical testing. Allele origin: germline. Affected: yes.
Comment: Not observed at significant frequency in large population cohorts (gnomAD); In silico analysis supports a deleterious effect on protein structure/function; In silico analysis is inconclusive as to whether the variant alters gene splicing. In the absence of RNA/functional studies, the actual effect of this sequence change is unknown.; Has not been previously published as pathogenic or benign to our knowledge